The following is an entry in ClinVar:

NM_001332.4(CTNND2):c.1687T>G (p.Phe563Val)

Gene: CTNND2 (catenin delta 2; minus strand). Cytogenetic location: 5p15.2.
Variant type: single nucleotide variant.
Coding change: c.1687T>G on transcript NM_001332.4 (MANE Select); coding-DNA position 1687, T replaced by G.
Protein change: p.Phe563Val; replaces phenylalanine 563 with valine.
Molecular consequence: missense variant. On other transcripts: non-coding transcript variant (1).
Genome position (GRCh38, 1-based): chr5:11,236,765, A>C on the plus strand (T>G on the coding strand, the complement: CTNND2 is on the minus strand). VCF-style: chr5-11236765-A-C. GRCh37 (hg19) VCF-style: chr5-11236877-A-C.
Other names: c.1414T>G, p.Phe472Val (NM_001288715.1); c.676T>G, p.Phe226Val (NM_001288716.1, NM_001364128.2); c.388T>G, p.Phe130Val (NM_001288717.2); short protein forms F130V, F226V, F472V, F563V.
Identifiers: ClinVar variation 2630604 (VCV002630604.1), dbSNP rs2546872978, ClinGen allele CA359277907.

ClinVar aggregate classification (germline): Likely pathogenic (1 of 4 stars; one submission).

Conditions:
CTNND2-related disorder. Also called: CTNND2-related condition.

Submission:

PreventionGenetics, part of Exact Sciences
Classification: Likely pathogenic for CTNND2-related condition. Last evaluated: 2023-03-07. Review status: criteria provided, single submitter. Criteria: ACMG Guidelines, 2015. Collection method: clinical testing. Allele origin: germline.
Comment: The CTNND2 c.1687T>G variant is predicted to result in the amino acid substitution p.Phe563Val. To our knowledge, this variant has not been reported in the literature or in a large population database, indicating this variant is rare. At this time, the clinical significance of this variant is uncertain due to the absence of conclusive functional and genetic evidence.